The following is an entry in ClinVar:

NM_000083.3(CLCN1):c.1235A>C (p.Gln412Pro)

Gene: CLCN1 (chloride voltage-gated channel 1; plus strand). Cytogenetic location: 7q34.
Variant type: single nucleotide variant.
Coding change: c.1235A>C on transcript NM_000083.3 (MANE Select); coding-DNA position 1235, A replaced by C.
Protein change: p.Gln412Pro; replaces glutamine 412 with proline.
Molecular consequence: missense variant. On other transcripts: non-coding transcript variant (1).
Genome position (GRCh38, 1-based): chr7:143,332,487, A>C. VCF-style: chr7-143332487-A-C. GRCh37 (hg19) VCF-style: chr7-143029580-A-C.
Other names: short protein forms Q412P.
Identifiers: ClinVar variation 1070310 (VCV001070310.10), dbSNP rs1279658001, ClinGen allele CA369643516.

ClinVar aggregate classification (germline): Pathogenic. Review status: criteria provided, single submitter (1 of 4 stars). 2 submissions from 2 submitters: Pathogenic (1). 1 of the submissions does not count toward it. Last evaluated 2025-05-06.

Conditions:
Congenital myotonia, autosomal dominant form (THD). Also called: THOMSEN DISEASE; Myotonia congenita autosomal dominant. Identifiers: Orphanet 614, MedGen C2936781, MONDO:0008055, OMIM 160800.
Congenital myotonia, autosomal recessive form. Also called: Becker Generalized Myotonia; myotonia congenita, autosomal recessive; BECKER DISEASE. Identifiers: Orphanet 614, MedGen C0751360, MONDO:0009715, OMIM 255700.

Allele frequency attached by ClinVar (database versions not stated): gnomAD 0.00001.
gnomAD v4.1: 2 of 1,613,692 alleles (0.00012%); highest among the groups gnomAD compares: Admixed American, 0.0033%; no homozygotes.

Submissions (2):

Labcorp Genetics (formerly Invitae), Labcorp
Classification: Pathogenic for Congenital myotonia, autosomal recessive form; Congenital myotonia, autosomal dominant form. Last evaluated: 2025-05-06. Review status: criteria provided, single submitter. Criteria: Invitae Variant Classification Sherloc (09022015). Collection method: clinical testing. Allele origin: germline.
Comment: This sequence change replaces glutamine, which is neutral and polar, with proline, which is neutral and non-polar, at codon 412 of the CLCN1 protein (p.Gln412Pro). This variant is present in population databases (no rsID available, gnomAD 0.1%). This missense change has been observed in individual(s) with autosomal recessive myotonia congenita (PMID: 17717708, 18624224). In at least one individual the data is consistent with being in trans (on the opposite chromosome) from a pathogenic variant. It has also been observed to segregate with disease in related individuals. ClinVar contains an entry for this variant (Variation ID: 1070310). Invitae Evidence Modeling of protein sequence and biophysical properties (such as structural, functional, and spatial information, amino acid conservation, physicochemical variation, residue mobility, and thermodynamic stability) indicates that this missense variant is expected to disrupt CLCN1 protein function with a positive predictive value of 95%. Experimental studies have shown that this missense change affects CLCN1 function (PMID: 26510092). For these reasons, this variant has been classified as Pathogenic.

OMIM
Classification: Pathogenic for MYOTONIA CONGENITA, AUTOSOMAL DOMINANT. Last evaluated: 2022-05-27. Review status: no assertion criteria provided. Collection method: literature only. Allele origin: germline. Not counted in ClinVar's aggregate classification.

Literature cited by the submitters: PubMed 17717708 (cited by Labcorp Genetics (formerly Invitae), Labcorp); PubMed 18624224 (cited by Labcorp Genetics (formerly Invitae), Labcorp); PubMed 26510092 (cited by Labcorp Genetics (formerly Invitae), Labcorp and OMIM).